The following is an entry in ClinVar:

ClinVar aggregate classification (germline): Uncertain significance. Review status: criteria provided, multiple submitters, no conflicts (2 of 4 stars). 8 submissions from 8 submitters: Uncertain significance (7). 1 of the submissions does not count toward it. Last evaluated 2025-11-11.

Conditions:
Autosomal dominant Parkinson disease 8. Also called: LRRK2-Related Parkinson Disease; Parkinson disease 8; Parkinson disease 8, susceptibility to. Identifiers: Orphanet 411602, MedGen C1846862, MONDO:0011764, OMIM 607060.

Allele frequency attached by ClinVar (database versions not stated): ExAC 0.00012; gnomAD exomes 0.00014 and 0.00020; gnomAD 0.00019 and 0.00022; TOPMed 0.00023; 1000 Genomes Project 0.00040; 1000 Genomes Project 30x 0.00062.
gnomAD v4.1: 324 of 1,614,056 alleles (0.02%); highest among the groups gnomAD compares: Admixed American, 0.035%; no homozygotes.

Submissions (8):

Labcorp Genetics (formerly Invitae), Labcorp
Classification: Uncertain significance for Autosomal dominant Parkinson disease 8. Last evaluated: 2025-11-11. Review status: criteria provided, single submitter. Criteria: Invitae Variant Classification Sherloc (09022015). Collection method: clinical testing. Allele origin: germline.
Comment: This sequence change replaces arginine, which is basic and polar, with histidine, which is basic and polar, at codon 1941 of the LRRK2 protein (p.Arg1941His). This variant is present in population databases (rs77428810, gnomAD 0.03%), and has an allele count higher than expected for a pathogenic variant. This missense change has been observed in individual(s) with Parkinson disease (PMID: 16272164, 21885347, 33281709). ClinVar contains an entry for this variant (Variation ID: 39216). Invitae Evidence Modeling of protein sequence and biophysical properties (such as structural, functional, and spatial information, amino acid conservation, physicochemical variation, residue mobility, and thermodynamic stability) has been performed for this missense variant. However, the output from this modeling did not meet the statistical confidence thresholds required to predict the impact of this variant on LRRK2 protein function. Experimental studies are conflicting or provide insufficient evidence to determine the effect of this variant on LRRK2 function (PMID: 17447891, 17584768, 20642453, 35950872). In summary, the available evidence is currently insufficient to determine the role of this variant in disease. Therefore, it has been classified as a Variant of Uncertain Significance.

Blueprint Genetics
Classification: Uncertain significance. Last evaluated: 2024-06-24. Review status: criteria provided, single submitter. Criteria: ACMG Guidelines, 2015. Collection method: clinical testing. Allele origin: germline.

Women's Health and Genetics/Laboratory Corporation of America, LabCorp
Classification: Uncertain significance. Last evaluated: 2023-06-29. Review status: criteria provided, single submitter. Criteria: LabCorp Variant Classification Summary - May 2015. Collection method: clinical testing. Allele origin: germline.
Comment: Variant summary: LRRK2 c.5822G>A (p.Arg1941His) results in a non-conservative amino acid change located in the Protein kinase domain (IPR000719) of the encoded protein sequence. Three of five in-silico tools predict a benign effect of the variant on protein function. The variant allele was found at a frequency of 0.00014 (i.e., 35 heterozygotes) in 251386 control chromosomes, predominantly at a frequency of 0.00029 within the Latino subpopulation in the gnomAD database (v2.1, Exomes dataset). The available data on variant occurrences in the general population are insufficient to allow any conclusion about variant significance. c.5822G>A has been reported in the literature in individuals affected with Parkinson Disease (e.g., Khan_2005, Ross_2011, Lubbe_2016, Muytemans_2020), however without strong evidence for causality (e.g., lack of co-segregation and co-occurrence data). These reports therefore do not provide unequivocal conclusions about association of the variant with Parkinson Disease 8, Autosomal Dominant. A co-occurrence with another pathogenic variant has been reported (LRRK2 c.6055G>A, p.Gly2019Ser; Lubbe_2016), providing supporting evidence for a benign role. Several publications report experimental evidence evaluating an impact on protein function with conflicting findings: two studies found the variant protein resulted in kinase activity similar to the wild-type (e.g., Luzon-Toro_2007, Nichols_2010), while another study found the variant resulted in approximately 33% of wild-type kinase activity (e.g., Jaleel_2007). The following publications have been ascertained in the context of this evaluation (PMID: 17447891, 16272164, 27798102, 17584768, 20642453, 33281709, 21885347). Four submitters have reported clinical-significance assessments for this variant to ClinVar after 2014. All submitters classified the variant as uncertain significance. Based on the evidence outlined above, the variant was classified as uncertain significance.

Clinical Genetics Laboratory, Skane University Hospital Lund
Classification: Uncertain significance. Last evaluated: 2022-05-27. Review status: criteria provided, single submitter. Criteria: ACMG Guidelines, 2015. Collection method: clinical testing. Allele origin: germline. Affected: yes.

Fulgent Genetics
Classification: Uncertain significance for Autosomal dominant Parkinson disease 8. Last evaluated: 2021-10-06. Review status: criteria provided, single submitter. Criteria: ACMG Guidelines, 2015. Collection method: clinical testing. Allele origin: unknown.

Mendelics
Classification: Uncertain significance for Autosomal dominant Parkinson disease 8. Last evaluated: 2019-05-28. Review status: criteria provided, single submitter. Criteria: Mendelics Assertion Criteria 2017. Collection method: clinical testing. Allele origin: unknown.

Illumina Laboratory Services, Illumina
Classification: Uncertain significance for Autosomal dominant Parkinson disease 8. Last evaluated: 2017-04-27. Review status: criteria provided, single submitter. Criteria: ICSL Variant Classification Criteria 13 December 2019. Collection method: clinical testing. Allele origin: germline.
Comment: This variant was observed as part of a predisposition screen in an ostensibly healthy population. A literature search was performed for the gene, cDNA change, and amino acid change (where applicable). Publications were found based on this search. However, the evidence from the literature, in combination with allele frequency data from public databases where available, was not sufficient to rule this variant in or out of causing disease. Therefore, this variant is classified as a variant of unknown significance.

GeneReviews
No classification provided. Condition: Autosomal dominant Parkinson disease 8. Review status: no classification provided. Collection method: literature only. Allele origin: unknown. Not counted in ClinVar's aggregate classification.

Literature cited by the submitters: PubMed 16272164 (cited by 3 submitters); PubMed 21885347 (cited by Labcorp Genetics (formerly Invitae), Labcorp and Women's Health and Genetics/Laboratory Corporation of America, LabCorp); PubMed 33281709 (cited by Labcorp Genetics (formerly Invitae), Labcorp and Women's Health and Genetics/Laboratory Corporation of America, LabCorp); PubMed 17447891 (cited by 3 submitters); PubMed 17584768 (cited by Labcorp Genetics (formerly Invitae), Labcorp and Women's Health and Genetics/Laboratory Corporation of America, LabCorp); PubMed 20642453 (cited by Labcorp Genetics (formerly Invitae), Labcorp and Women's Health and Genetics/Laboratory Corporation of America, LabCorp); PubMed 35950872 (cited by Labcorp Genetics (formerly Invitae), Labcorp); PubMed 27798102 (cited by Women's Health and Genetics/Laboratory Corporation of America, LabCorp); PubMed 16311269 (cited by Illumina Laboratory Services, Illumina); PubMed 19472409 (cited by Illumina Laboratory Services, Illumina); PubMed 18213618 (cited by Illumina Laboratory Services, Illumina); PubMed 17419834 (cited by Illumina Laboratory Services, Illumina); PubMed 17523199 (cited by Illumina Laboratory Services, Illumina); PubMed 16616379 (cited by Illumina Laboratory Services, Illumina); PubMed 20301387 (cited by GeneReviews); NCBI Bookshelf NBK1208 (cited by GeneReviews).

NM_198578.4(LRRK2):c.5822G>A (p.Arg1941His)

Gene: LRRK2 (leucine rich repeat kinase 2; plus strand). Cytogenetic location: 12q12.
Variant type: single nucleotide variant.
Coding change: c.5822G>A on transcript NM_198578.4 (MANE Select); coding-DNA position 5822, G replaced by A.
Protein change: p.Arg1941His; replaces arginine 1941 with histidine.
Molecular consequence: missense variant.
Genome position (GRCh38, 1-based): chr12:40,335,031, G>A. VCF-style: chr12-40335031-G-A. GRCh37 (hg19) VCF-style: chr12-40728833-G-A.
Other names: short protein forms R1941H.
Identifiers: ClinVar variation 39216 (VCV000039216.18), dbSNP rs77428810, ClinGen allele CA343642.